The following is an entry in ClinVar:

ClinVar aggregate classification (germline): Uncertain significance (1 of 4 stars; one submission).

Allele frequency attached by ClinVar (database versions not stated): gnomAD exomes below 0.00001.
gnomAD v4.1: 1 of 1,614,050 alleles (0.000062%); highest among the groups gnomAD compares: South Asian, 0.0011%; no homozygotes.

Submission:

Labcorp Genetics (formerly Invitae), Labcorp
Classification: Uncertain significance. Last evaluated: 2024-01-18. Review status: criteria provided, single submitter. Criteria: Invitae Variant Classification Sherloc (09022015). Collection method: clinical testing. Allele origin: germline.
Comment: This sequence change replaces aspartic acid, which is acidic and polar, with asparagine, which is neutral and polar, at codon 735 of the ADNP protein (p.Asp735Asn). This variant is not present in population databases (gnomAD no frequency). This variant has not been reported in the literature in individuals affected with ADNP-related conditions. An algorithm developed to predict the effect of missense changes on protein structure and function (PolyPhen-2) suggests that this variant is likely to be tolerated. In summary, the available evidence is currently insufficient to determine the role of this variant in disease. Therefore, it has been classified as a Variant of Uncertain Significance.

NM_001282531.3(ADNP):c.2203G>A (p.Asp735Asn)

Gene: ADNP (activity dependent neuroprotector homeobox; minus strand). Cytogenetic location: 20q13.13.
Variant type: single nucleotide variant.
Coding change: c.2203G>A on transcript NM_001282531.3 (MANE Select); coding-DNA position 2203, G replaced by A.
Protein change: p.Asp735Asn; replaces aspartic acid 735 with asparagine.
Molecular consequence: missense variant.
Genome position (GRCh38, 1-based): chr20:50,892,511, C>T on the plus strand (G>A on the coding strand, the complement: ADNP is on the minus strand). VCF-style: chr20-50892511-C-T. GRCh37 (hg19) VCF-style: chr20-49509048-C-T.
Other names: c.2203G>A, p.Asp735Asn (NM_001282532.2, NM_001347511.2, NM_015339.5 and 1 more transcripts); short protein forms D735N.
Identifiers: ClinVar variation 2710012 (VCV002710012.3), dbSNP rs1980895069, ClinGen allele CA408970980.